The following is an entry in ClinVar:

ClinVar aggregate classification (germline): Uncertain significance (1 of 4 stars; one submission).

Conditions:
Cardiovascular phenotype. Identifiers: MedGen CN230736.

gnomAD v4.1: 1 of 1,614,174 alleles (0.000062%); highest among the groups gnomAD compares: Non-Finnish European, 0.000085%; no homozygotes.

Submission:

Ambry Genetics
Classification: Uncertain significance for Cardiovascular phenotype. Last evaluated: 2022-05-06. Review status: criteria provided, single submitter. Criteria: Ambry Variant Classification Scheme 2023. Collection method: clinical testing. Allele origin: germline.
Comment: The p.P531T variant (also known as c.1591C>A), located in coding exon 13 of the JAG1 gene, results from a C to A substitution at nucleotide position 1591. The proline at codon 531 is replaced by threonine, an amino acid with highly similar properties. This amino acid position is conserved. In addition, the in silico prediction for this alteration is inconclusive. Since supporting evidence is limited at this time, the clinical significance of this alteration remains unclear.

NM_000214.3(JAG1):c.1591C>A (p.Pro531Thr)

Gene: JAG1 (jagged canonical Notch ligand 1; minus strand). Cytogenetic location: 20p12.2.
Variant type: single nucleotide variant.
Coding change: c.1591C>A on transcript NM_000214.3 (MANE Select); coding-DNA position 1591, C replaced by A.
Protein change: p.Pro531Thr; replaces proline 531 with threonine.
Molecular consequence: missense variant.
Genome position (GRCh38, 1-based): chr20:10,648,089, G>T on the plus strand (C>A on the coding strand, the complement: JAG1 is on the minus strand). VCF-style: chr20-10648089-G-T. GRCh37 (hg19) VCF-style: chr20-10628737-G-T.
Other names: short protein forms P531T.
Identifiers: ClinVar variation 1775925 (VCV001775925.2), dbSNP rs2514516698, ClinGen allele CA408236997.